The following is an entry in ClinVar:

NM_198253.3(TERT):c.2248G>A (p.Ala750Thr)

Gene: TERT (telomerase reverse transcriptase; minus strand). Cytogenetic location: 5p15.33.
Variant type: single nucleotide variant.
Coding change: c.2248G>A on transcript NM_198253.3 (MANE Select); coding-DNA position 2248, G replaced by A.
Protein change: p.Ala750Thr; replaces alanine 750 with threonine.
Molecular consequence: missense variant. On other transcripts: non-coding transcript variant (2).
Genome position (GRCh38, 1-based): chr5:1,278,679, C>T on the plus strand (G>A on the coding strand, the complement: TERT is on the minus strand). VCF-style: chr5-1278679-C-T. GRCh37 (hg19) VCF-style: chr5-1278794-C-T.
Other names: c.2248G>A, p.Ala750Thr (NM_001193376.3); short protein forms A750T.
Identifiers: ClinVar variation 661823 (VCV000661823.8), dbSNP rs1579574831, ClinGen allele CA359078996.

ClinVar aggregate classification (germline): Conflicting classifications of pathogenicity. Review status: criteria provided, conflicting classifications (1 of 4 stars). 2 submissions from 2 submitters: Uncertain significance (1); Likely benign (1). Last evaluated 2025-10-23.

Conditions:
Dyskeratosis congenita. Identifiers: Orphanet 1775, MedGen C0265965, MONDO:0015780.
Idiopathic Pulmonary Fibrosis. Also called: Idiopathic fibrosing alveolitis, chronic form; idiopathic fibrosing alveolitis. Identifiers: Orphanet 2032, MedGen C1800706, MeSH D054990, MONDO:0800504.
Dyskeratosis congenita, autosomal dominant 2. Identifiers: MedGen C3151443, MONDO:0013521, OMIM 613989.

Allele frequency attached by ClinVar (database versions not stated): gnomAD exomes below 0.00001.
gnomAD v4.1: 1 of 1,614,156 alleles (0.000062%); highest among the groups gnomAD compares: Non-Finnish European, 0.000085%; no homozygotes.

Submissions (2):

Labcorp Genetics (formerly Invitae), Labcorp
Classification: Uncertain significance for Dyskeratosis congenita, autosomal dominant 2; Idiopathic Pulmonary Fibrosis. Last evaluated: 2025-10-23. Review status: criteria provided, single submitter. Criteria: Invitae Variant Classification Sherloc (09022015). Collection method: clinical testing. Allele origin: germline.
Comment: This sequence change replaces alanine, which is neutral and non-polar, with threonine, which is neutral and polar, at codon 750 of the TERT protein (p.Ala750Thr). This variant is not present in population databases (gnomAD no frequency). This variant has not been reported in the literature in individuals affected with TERT-related conditions. ClinVar contains an entry for this variant (Variation ID: 661823). Invitae Evidence Modeling of protein sequence and biophysical properties (such as structural, functional, and spatial information, amino acid conservation, physicochemical variation, residue mobility, and thermodynamic stability) indicates that this missense variant is not expected to disrupt TERT protein function with a negative predictive value of 95%. In summary, the available evidence is currently insufficient to determine the role of this variant in disease. Therefore, it has been classified as a Variant of Uncertain Significance.

Ambry Genetics
Classification: Likely benign for Dyskeratosis congenita. Last evaluated: 2023-03-25. Review status: criteria provided, single submitter. Criteria: Ambry Variant Classification Scheme 2023. Collection method: clinical testing. Allele origin: germline.